The following is an entry in ClinVar:

NM_000540.3(RYR1):c.12567del (p.Ile4189fs)

Gene: RYR1 (ryanodine receptor 1; plus strand). Cytogenetic location: 19q13.2.
Variant type: Deletion.
Coding change: c.12567del on transcript NM_000540.3 (MANE Select); coding-DNA position 12567, one base deleted (C; older notation c.12567delC).
Protein change: p.Ile4189fs; shifts the reading frame from isoleucine 4189.
Molecular consequence: frameshift variant.
Genome position (GRCh38, 1-based): chr19:38,561,397, C deleted. VCF-style (leftmost placement, unchanged base first): chr19-38561396-TC-T. GRCh37 (hg19) VCF-style: chr19-39052036-TC-T.
Other names: c.12552del, p.Ile4184fs (NM_001042723.2); short protein forms I4184fs, I4189fs.
Identifiers: ClinVar variation 945875 (VCV000945875.7), dbSNP rs1973133322, ClinGen allele CA1139666437.

ClinVar aggregate classification (germline): Pathogenic (1 of 4 stars; one submission).

Conditions:
RYR1-related disorder. Also called: RYR1-related disorders; RYR1-related condition. Identifiers: MedGen CN239331.

Submission:

Labcorp Genetics (formerly Invitae), Labcorp
Classification: Pathogenic for RYR1-related disorder. Last evaluated: 2019-08-05. Review status: criteria provided, single submitter. Criteria: Invitae Variant Classification Sherloc (09022015). Collection method: clinical testing. Allele origin: germline.
Comment: This sequence change creates a premature translational stop signal (p.Ile4189Metfs*21) in the RYR1 gene. It is expected to result in an absent or disrupted protein product. This variant is not present in population databases (ExAC no frequency). This variant has not been reported in the literature in individuals with RYR1-related conditions. Loss-of-function variants in RYR1 are known to be pathogenic (PMID: 20583297, 20839240, 23919265, 28818389). For these reasons, this variant has been classified as Pathogenic.

Literature cited by the submitters: PubMed 20583297; PubMed 20839240; PubMed 23919265; PubMed 28818389.